The following is an entry in ClinVar:

NM_003742.4(ABCB11):c.2011+8C>G

Gene: ABCB11 (ATP binding cassette subfamily B member 11; minus strand). Cytogenetic location: 2q31.1.
Variant type: single nucleotide variant.
Coding change: c.2011+8C>G on transcript NM_003742.4 (MANE Select); 8 bases into the intron after coding-DNA position 2011, C replaced by G.
Molecular consequence: intron variant.
Genome position (GRCh38, 1-based): chr2:168,969,342, G>C on the plus strand (C>G on the coding strand, the complement: ABCB11 is on the minus strand). VCF-style: chr2-168969342-G-C. GRCh37 (hg19) VCF-style: chr2-169825852-G-C.
Other names: c.2011+8C>G (LRG_1199t1).
Identifiers: ClinVar variation 515100 (VCV000515100.9), dbSNP rs896725376, ClinGen allele CA59879603.

ClinVar aggregate classification (germline): Likely benign. Review status: criteria provided, multiple submitters, no conflicts (2 of 4 stars). 2 submissions from 2 submitters: Likely benign (2). Last evaluated 2023-12-13.

Submissions (2):

Labcorp Genetics (formerly Invitae), Labcorp
Classification: Likely benign. Last evaluated: 2023-12-13. Review status: criteria provided, single submitter. Criteria: Invitae Variant Classification Sherloc (09022015). Collection method: clinical testing. Allele origin: germline.

GeneDx
Classification: Likely benign. Last evaluated: 2018-02-08. Review status: criteria provided, single submitter. Criteria: GeneDx Variant Classification (06012015). Collection method: clinical testing. Allele origin: germline. Affected: yes.
Comment: This variant is considered likely benign or benign based on one or more of the following criteria: it is a conservative change, it occurs at a poorly conserved position in the protein, it is predicted to be benign by multiple in silico algorithms, and/or has population frequency not consistent with disease.